The following is an entry in ClinVar:

NM_006421.5(ARFGEF1):c.5320C>T (p.Arg1774Ter)

Gene: ARFGEF1 (ARF guanine nucleotide exchange factor 1; minus strand). Cytogenetic location: 8q13.2.
Variant type: single nucleotide variant.
Coding change: c.5320C>T on transcript NM_006421.5 (MANE Select); coding-DNA position 5320, C replaced by T.
Protein change: p.Arg1774Ter; replaces arginine 1774 with a stop codon.
Molecular consequence: nonsense.
Genome position (GRCh38, 1-based): chr8:67,200,461, G>A on the plus strand (C>T on the coding strand, the complement: ARFGEF1 is on the minus strand). VCF-style: chr8-67200461-G-A. GRCh37 (hg19) VCF-style: chr8-68112696-G-A.
Other names: short protein forms R1774*.
Identifiers: ClinVar variation 996313 (VCV000996313.8), dbSNP rs1838287933, ClinGen allele CA371208306.

ClinVar aggregate classification (germline): Pathogenic. Review status: criteria provided, multiple submitters, no conflicts (2 of 4 stars). 5 submissions from 4 submitters: Pathogenic (4). 1 of the submissions does not count toward it. Last evaluated 2022-10-28.

Conditions:
Global developmental delay (DD). Also called: Cognitive delay. Identifiers: MedGen C0557874, HP:0001263. Disease mechanism: loss of function.
Delayed speech and language development. Also called: Language delay. Identifiers: MedGen C0454644, HP:0000750.
Atypical behavior. Also called: Behavioral disorders; Behavioral abnormality. Identifiers: MedGen C0004941, HP:0000708.
Intellectual disability. Also called: Intellectual functioning disability; intellectual disabilities; Intellectual developmental disorder. Identifiers: MedGen C3714756, MeSH D008607, MONDO:0001071, HP:0001249.
Seizure. Also called: Seizures. Identifiers: MedGen C0036572, HP:0001250.
Developmental delay, impaired speech, and behavioral abnormalities, with or without seizures (DEDISB). Identifiers: MedGen C5575272, MONDO:0859263, OMIM 619964.

Submissions (5):

GeneDx
Classification: Pathogenic. Last evaluated: 2022-10-28. Review status: criteria provided, single submitter. Criteria: GeneDx Variant Classification Process June 2021. Collection method: clinical testing. Allele origin: germline. Affected: yes.
Comment: Nonsense variant predicted to result in protein truncation or nonsense mediated decay in a gene for which loss of function is a known mechanism of disease; Not observed at significant frequency in large population cohorts (gnomAD); This variant is associated with the following publications: (PMID: 34113008)

Institute of Human Genetics, University of Leipzig Medical Center
Classification: Pathogenic for Intellectual disability; Seizure; Global developmental delay. Last evaluated: 2021-11-01. Review status: criteria provided, single submitter. Criteria: ACMG Guidelines, 2015. Collection method: clinical testing. Allele origin: unknown. Affected: yes.
Comment: Criteria applied: PVS1, PS2, PS4_SUP, PM2_SUP

Institute of Human Genetics, University of Leipzig Medical Center
Classification: Pathogenic for Developmental delay, impaired speech, and behavioral abnormalities, with or without seizures. Last evaluated: 2021-11-01. Review status: criteria provided, single submitter. Criteria: ACMG Guidelines, 2015. Collection method: clinical testing. Allele origin: unknown. Inheritance: Autosomal dominant inheritance. Affected: yes.
Comment: Criteria applied: PVS1,PS2,PS4_SUP,PM2_SUP

Equipe Genetique des Anomalies du Developpement, Université de Bourgogne
Classification: Pathogenic for Global developmental delay; Delayed speech and language development; Atypical behavior; Intellectual disability. Review status: criteria provided, single submitter. Criteria: ACMG Guidelines, 2015. Collection method: clinical testing. Allele origin: de novo. Affected: yes.

OMIM
Classification: Pathogenic for DEVELOPMENTAL DELAY, IMPAIRED SPEECH, AND BEHAVIORAL ABNORMALITIES, WITHOUT SEIZURES. Last evaluated: 2022-08-22. Review status: no assertion criteria provided. Collection method: literature only. Allele origin: germline. Not counted in ClinVar's aggregate classification.

Literature cited by the submitters: PubMed 34113008 (cited by 3 submitters).